The following is an entry in ClinVar:

NM_004329.3(BMPR1A):c.1397C>T (p.Ser466Leu)

Gene: BMPR1A (bone morphogenetic protein receptor type 1A; plus strand). Cytogenetic location: 10q23.2.
Variant type: single nucleotide variant.
Coding change: c.1397C>T on transcript NM_004329.3 (MANE Select); coding-DNA position 1397, C replaced by T.
Protein change: p.Ser466Leu; replaces serine 466 with leucine.
Molecular consequence: missense variant.
Genome position (GRCh38, 1-based): chr10:86,923,430, C>T. VCF-style: chr10-86923430-C-T. GRCh37 (hg19) VCF-style: chr10-88683187-C-T.
Other names: short protein forms S466L.
Identifiers: ClinVar variation 1047416 (VCV001047416.12), dbSNP rs1843695578, ClinGen allele CA377462894.
Genomic context (GRCh38, chr10:86,923,430, plus strand): 5'-TTATAGGGATCGTGGAAGAATACCAATTGCCATATTACAACATGGTACCGAGTGATCCGT[C>T]ATACGAAGATATGCGTGAGGTTGTGTGTGTCAAACGTTTGCGGCCAATTGTGTCTAATCG-3'
Protein context (NP_004320.2, residues 456-476): PYYNMVPSDP[Ser466Leu]YEDMREVVCV

ClinVar aggregate classification (germline): Uncertain significance. Review status: criteria provided, multiple submitters, no conflicts (2 of 4 stars). 2 submissions from 2 submitters: Uncertain significance (2). Last evaluated 2026-07-14.

Conditions:
Juvenile polyposis syndrome (JPS). Identifiers: Orphanet 2929, MedGen C0345893, MONDO:0017380, OMIM 174900.
Hereditary cancer-predisposing syndrome. Also called: Tumor predisposition; Hereditary Cancer Syndrome; Hereditary neoplastic syndrome; Neoplastic Syndromes, Hereditary. Identifiers: Orphanet 140162, MedGen C0027672, MeSH D009386, MONDO:0015356.

Submissions (2):

Ambry Genetics
Classification: Uncertain significance for Hereditary cancer-predisposing syndrome. Last evaluated: 2026-07-14. Review status: criteria provided, single submitter. Criteria: Ambry Variant Classification Scheme 2023. Collection method: clinical testing. Allele origin: germline.
Comment: The p.S466L variant (also known as c.1397C>T), located in coding exon 10 of the BMPR1A gene, results from a C to T substitution at nucleotide position 1397. The serine at codon 466 is replaced by leucine, an amino acid with dissimilar properties. This amino acid position is highly conserved in available vertebrate species. In addition, this alteration is predicted to be deleterious by in silico analysis. Based on the available evidence, the clinical significance of this variant remains unclear.

Labcorp Genetics (formerly Invitae), Labcorp
Classification: Uncertain significance for Juvenile polyposis syndrome. Last evaluated: 2020-07-20. Review status: criteria provided, single submitter. Criteria: Invitae Variant Classification Sherloc (09022015). Collection method: clinical testing. Allele origin: germline.
Comment: In summary, the available evidence is currently insufficient to determine the role of this variant in disease. Therefore, it has been classified as a Variant of Uncertain Significance. Advanced modeling of protein sequence and biophysical properties (such as structural, functional, and spatial information, amino acid conservation, physicochemical variation, residue mobility, and thermodynamic stability) performed at Invitae indicates that this missense variant is expected to disrupt BMPR1A protein function. This variant has not been reported in the literature in individuals with BMPR1A-related conditions. This variant is not present in population databases (ExAC no frequency). This sequence change replaces serine with leucine at codon 466 of the BMPR1A protein (p.Ser466Leu). The serine residue is highly conserved and there is a large physicochemical difference between serine and leucine.